The following is an entry in ClinVar:

NM_001378615.1(CC2D2A):c.4675-1G>A

Genes: CC2D2A (coiled-coil and C2 domain containing 2A; plus strand), FBXL5 (F-box and leucine rich repeat protein 5; minus strand). Cytogenetic location: 4p15.32.
Variant type: single nucleotide variant.
Coding change: c.4675-1G>A on transcript NM_001378615.1 (MANE Select); the canonical splice acceptor site of the intron before coding-DNA position 4675, G replaced by A.
Molecular consequence: splice acceptor variant.
Genome position (GRCh38, 1-based): chr4:15,601,236, G>A. VCF-style: chr4-15601236-G-A. GRCh37 (hg19) VCF-style: chr4-15602859-G-A.
Other names: c.4675-1G>A (NM_001080522.2); c.4528-1G>A (NM_001378617.1).
Identifiers: ClinVar variation 5004443 (VCV005004443.1).

ClinVar aggregate classification (germline): Uncertain significance (1 of 4 stars; one submission).

Conditions:
Joubert syndrome and related disorders. Identifiers: Orphanet 140874, MedGen C5679612, MONDO:0015369.

Submission:

Myriad Genetics, Inc.
Classification: Uncertain significance for Joubert syndrome and related disorders. Last evaluated: 2026-05-29. Review status: criteria provided, single submitter. Criteria: Myriad Autosomal Dominant, Autosomal Recessive and X-Linked Classification Criteria (2023). Collection method: clinical testing. Allele origin: unknown.
Comment: NM_001080522.2(CC2D2A):c.4675-1G>A is a variant in a canonical splice site classified as a variant of uncertain significance in the context of CC2D2A-related disorders. c.4675-1G>A has not been observed in cases with relevant disease. Relevant functional assessments of this variant are not available in the literature. c.4675-1G>A has not been observed in referenced population frequency databases. In summary, there is insufficient evidence to classify NM_001080522.2(CC2D2A):c.4675-1G>A as pathogenic or benign. Please note: this variant was assessed in the context of healthy population screening.